The following is an entry in ClinVar:

ClinVar aggregate classification (germline): Uncertain significance (1 of 4 stars; one submission).

Allele frequency attached by ClinVar (database versions not stated): TOPMed 0.00001.

Submission:

Labcorp Genetics (formerly Invitae), Labcorp
Classification: Uncertain significance. Last evaluated: 2026-01-25. Review status: criteria provided, single submitter. Criteria: Invitae Variant Classification Sherloc (09022015). Collection method: clinical testing. Allele origin: germline.
Comment: This sequence change replaces cysteine, which is neutral and slightly polar, with phenylalanine, which is neutral and non-polar, at codon 88 of the TOP2B protein (p.Cys88Phe). This variant is present in population databases (rs763948503, gnomAD 0.003%). This variant has not been reported in the literature in individuals affected with TOP2B-related conditions. ClinVar contains an entry for this variant (Variation ID: 2990895). An algorithm developed to predict the effect of missense changes on protein structure and function (PolyPhen-2) suggests that this variant is likely to be tolerated. In summary, the available evidence is currently insufficient to determine the role of this variant in disease. Therefore, it has been classified as a Variant of Uncertain Significance.

NM_001330700.2(TOP2B):c.278G>T (p.Cys93Phe)

Gene: TOP2B (DNA topoisomerase II beta; minus strand). Cytogenetic location: 3p24.2.
Variant type: single nucleotide variant.
Coding change: c.278G>T on transcript NM_001330700.2 (MANE Select); coding-DNA position 278, G replaced by T.
Protein change: p.Cys93Phe; replaces cysteine 93 with phenylalanine.
Molecular consequence: missense variant.
Genome position (GRCh38, 1-based): chr3:25,643,747, C>A on the plus strand (G>T on the coding strand, the complement: TOP2B is on the minus strand). VCF-style: chr3-25643747-C-A. GRCh37 (hg19) VCF-style: chr3-25685238-C-A.
Other names: c.263G>T, p.Cys88Phe (NM_001068.3); short protein forms C88F, C93F.
Identifiers: ClinVar variation 2990895 (VCV002990895.3), dbSNP rs763948503, ClinGen allele CA2288937.